The following is an entry in ClinVar:

NM_000264.5(PTCH1):c.628A>G (p.Ile210Val)

Gene: PTCH1 (patched 1; minus strand). Cytogenetic location: 9q22.32.
Variant type: single nucleotide variant.
Coding change: c.628A>G on transcript NM_000264.5 (MANE Select); coding-DNA position 628, A replaced by G.
Protein change: p.Ile210Val; replaces isoleucine 210 with valine.
Molecular consequence: missense variant. On other transcripts: non-coding transcript variant (1).
Genome position (GRCh38, 1-based): chr9:95,482,160, T>C on the plus strand (A>G on the coding strand, the complement: PTCH1 is on the minus strand). VCF-style: chr9-95482160-T-C. GRCh37 (hg19) VCF-style: chr9-98244442-T-C.
Other names: c.430A>G, p.Ile144Val (NM_001083602.3, NM_001354919.2); c.625A>G, p.Ile209Val (NM_001083603.3); c.175A>G, p.Ile59Val (NM_001083604.3, NM_001083605.3, NM_001083606.3 and 1 more transcripts); c.628A>G, p.Ile210Val (NM_001354918.2); short protein forms I210V, I144V, I59V, I209V.
Identifiers: ClinVar variation 826296 (VCV000826296.7), dbSNP rs1588614551, ClinGen allele CA374115067.

ClinVar aggregate classification (germline): Uncertain significance. Review status: criteria provided, multiple submitters, no conflicts (2 of 4 stars). 2 submissions from 2 submitters: Uncertain significance (2). Last evaluated 2023-10-10.

Conditions:
Gorlin syndrome. Also called: Nevoid Basal Cell Carcinoma Syndrome; Basal cell nevus syndrome. Identifiers: Orphanet 377, MedGen C0004779, MONDO:0007187.
Hereditary cancer-predisposing syndrome. Also called: Neoplastic Syndromes, Hereditary; Hereditary Cancer Syndrome; Hereditary neoplastic syndrome; Tumor predisposition. Identifiers: Orphanet 140162, MedGen C0027672, MeSH D009386, MONDO:0015356.

Submissions (2):

Labcorp Genetics (formerly Invitae), Labcorp
Classification: Uncertain significance for Gorlin syndrome. Last evaluated: 2023-10-10. Review status: criteria provided, single submitter. Criteria: Invitae Variant Classification Sherloc (09022015). Collection method: clinical testing. Allele origin: germline.
Comment: This sequence change replaces isoleucine, which is neutral and non-polar, with valine, which is neutral and non-polar, at codon 210 of the PTCH1 protein (p.Ile210Val). This variant is not present in population databases (gnomAD no frequency). This variant has not been reported in the literature in individuals affected with PTCH1-related conditions. ClinVar contains an entry for this variant (Variation ID: 826296). Advanced modeling of protein sequence and biophysical properties (such as structural, functional, and spatial information, amino acid conservation, physicochemical variation, residue mobility, and thermodynamic stability) performed at Invitae indicates that this missense variant is not expected to disrupt PTCH1 protein function. In summary, the available evidence is currently insufficient to determine the role of this variant in disease. Therefore, it has been classified as a Variant of Uncertain Significance.

Ambry Genetics
Classification: Uncertain significance for Hereditary cancer-predisposing syndrome. Last evaluated: 2021-05-26. Review status: criteria provided, single submitter. Criteria: Ambry Variant Classification Scheme 2023. Collection method: clinical testing. Allele origin: germline.
Comment: The p.I210V variant (also known as c.628A>G), located in coding exon 4 of the PTCH1 gene, results from an A to G substitution at nucleotide position 628. The isoleucine at codon 210 is replaced by valine, an amino acid with highly similar properties. This amino acid position is well conserved in available vertebrate species. In addition, this alteration is predicted to be tolerated by in silico analysis. Since supporting evidence is limited at this time, the clinical significance of this alteration remains unclear.